The following is an entry in ClinVar:

NM_001267550.2(TTN):c.59291dup (p.Gly19764_Glu19765insTer)

Genes: TTN-AS1 (TTN antisense RNA 1; plus strand), TTN (titin; minus strand). Cytogenetic location: 2q31.2.
Variant type: Duplication.
Coding change: c.59291dup on transcript NM_001267550.2 (MANE Select); coding-DNA position 59291, one base duplicated (G; older notation c.59291dupG).
Protein change: p.Gly19764_Glu19765insTer.
Molecular consequence: frameshift variant.
Genome position (GRCh38, 1-based): chr2:178,592,828, C duplicated on the plus strand (G on the coding strand, the reverse complement: TTN is on the minus strand); the first of 2 consecutive C bases (chr2:178,592,828-178,592,829); duplicating either gives the same sequence. VCF-style (leftmost placement, unchanged base first): chr2-178592827-A-AC. GRCh37 (hg19) VCF-style: chr2-179457554-A-AC.
Other names: c.54368dup, p.Gly18123_Glu18124insTer (NM_001256850.1); c.32096dup, p.Gly10699_Glu10700insTer (NM_003319.4); c.51587dup, p.Gly17196_Glu17197insTer (NM_133378.4); c.32471dup, p.Gly10824_Glu10825insTer (NM_133432.3); c.32672dup, p.Gly10891_Glu10892insTer (NM_133437.4).
Identifiers: ClinVar variation 3755862 (VCV003755862.2).

ClinVar aggregate classification (germline): Likely pathogenic (1 of 4 stars; one submission).

Conditions:
Dilated cardiomyopathy 1G (CMD1G). Identifiers: Orphanet 154, MedGen C1858763, MONDO:0011400, OMIM 604145.
Autosomal recessive limb-girdle muscular dystrophy type 2J (LGMDR10). Also called: Limb-girdle muscular dystrophy, type 2J; MUSCULAR DYSTROPHY, LIMB-GIRDLE, AUTOSOMAL RECESSIVE 10. Identifiers: Orphanet 140922, MedGen C1837342, MONDO:0012127, OMIM 608807.

Submission:

Labcorp Genetics (formerly Invitae), Labcorp
Classification: Likely pathogenic for Dilated cardiomyopathy 1G; Autosomal recessive limb-girdle muscular dystrophy type 2J. Last evaluated: 2024-11-13. Review status: criteria provided, single submitter. Criteria: Invitae Variant Classification Sherloc (09022015). Collection method: clinical testing. Allele origin: germline.
Comment: This sequence change creates a premature translational stop signal (p.Glu19765*) in the TTN gene. While this is not anticipated to result in nonsense mediated decay, it is expected to create a truncated TTN protein. This variant is not present in population databases (gnomAD no frequency). This variant has not been reported in the literature in individuals affected with TTN-related conditions. This variant is located in the A band of TTN (PMID: 25589632). Truncating variants in this region are significantly overrepresented in patients affected with dilated cardiomyopathy (PMID: 25589632). Truncating variants in this region have also been reported in individuals affected with autosomal recessive centronuclear myopathy (PMID: 23975875). In summary, the currently available evidence indicates that the variant is pathogenic, but additional data are needed to prove that conclusively. Therefore, this variant has been classified as Likely Pathogenic.

Literature cited by the submitters: PubMed 25589632; PubMed 23975875.